The following is an entry in ClinVar:

NM_001453.3(FOXC1):c.910C>T (p.His304Tyr)

Gene: FOXC1 (forkhead box C1; plus strand). Cytogenetic location: 6p25.3.
Variant type: single nucleotide variant.
Coding change: c.910C>T on transcript NM_001453.3 (MANE Select); coding-DNA position 910, C replaced by T.
Protein change: p.His304Tyr; replaces histidine 304 with tyrosine.
Molecular consequence: missense variant.
Genome position (GRCh38, 1-based): chr6:1,611,355, C>T. VCF-style: chr6-1611355-C-T. GRCh37 (hg19) VCF-style: chr6-1611590-C-T.
Other names: short protein forms H304Y.
Identifiers: ClinVar variation 3371313 (VCV003371313.1).

ClinVar aggregate classification (germline): Uncertain significance (1 of 4 stars; one submission).

Submission:

GeneDx
Classification: Uncertain significance. Last evaluated: 2024-03-21. Review status: criteria provided, single submitter. Criteria: GeneDx Variant Classification Process June 2021. Collection method: clinical testing. Allele origin: germline. Affected: yes.
Comment: Not observed at significant frequency in large population cohorts (gnomAD); In silico analysis supports that this missense variant has a deleterious effect on protein structure/function; Has not been previously published as pathogenic or benign to our knowledge